The following is an entry in ClinVar:

NM_000059.4(BRCA2):c.6213T>G (p.Ser2071Arg)

Gene: BRCA2 (BRCA2 DNA repair associated; plus strand). Cytogenetic location: 13q13.1.
Variant type: single nucleotide variant.
Coding change: c.6213T>G on transcript NM_000059.4 (MANE Select); coding-DNA position 6213, T replaced by G.
Protein change: p.Ser2071Arg; replaces serine 2071 with arginine.
Molecular consequence: missense variant. On other transcripts: non-coding transcript variant (1), intron variant (2).
Genome position (GRCh38, 1-based): chr13:32,340,568, T>G. VCF-style: chr13-32340568-T-G. GRCh37 (hg19) VCF-style: chr13-32914705-T-G.
Other names: c.6213T>G, p.Ser2071Arg (NM_001406719.1, NM_001406720.1, NM_001432077.1); c.1910-3990T>G (NM_001406721.1); c.425-3990T>G (NM_001406722.1); short protein forms S2071R.
Identifiers: ClinVar variation 4802321 (VCV004802321.1).
Genomic context (GRCh38, chr13:32,340,568, plus strand): 5'-TTCATCTGCTTTCTCTGGATTTAGTACAGCAAGTGGAAAGCAAGTTTCCATTTTAGAAAG[T>G]TCCTTACACAAAGTTAAGGGAGTGTTAGAGGAATTTGATTTAATCAGAACTGAGCATAGT-3'
Protein context (NP_000050.3, residues 2061-2081): ASGKQVSILE[Ser2071Arg]SLHKVKGVLE

ClinVar aggregate classification (germline): Uncertain significance (1 of 4 stars; one submission).

Conditions:
Hereditary breast ovarian cancer syndrome. Also called: Hereditary breast and ovarian cancer syndrome (HBOC); Hereditary breast and ovarian cancer; Breast and ovarian cancer; Hereditary breast and/or ovarian cancer syndrome; BRCA1- and BRCA2-Associated Hereditary Breast and Ovarian Cancer; Hereditary breast and ovarian cancer syndrome. Identifiers: Orphanet 145, MedGen C0677776, MeSH D061325, MONDO:0003582. Disease mechanism: loss of function.

Submission:

Labcorp Genetics (formerly Invitae), Labcorp
Classification: Uncertain significance for Hereditary breast ovarian cancer syndrome. Last evaluated: 2025-09-10. Review status: criteria provided, single submitter. Criteria: Invitae Variant Classification Sherloc (09022015). Collection method: clinical testing. Allele origin: germline.
Comment: This sequence change replaces serine, which is neutral and polar, with arginine, which is basic and polar, at codon 2071 of the BRCA2 protein (p.Ser2071Arg). This variant is not present in population databases (gnomAD no frequency). This variant has not been reported in the literature in individuals affected with BRCA2-related conditions. Invitae Evidence Modeling of protein sequence and biophysical properties (such as structural, functional, and spatial information, amino acid conservation, physicochemical variation, residue mobility, and thermodynamic stability) indicates that this missense variant is not expected to disrupt BRCA2 protein function with a negative predictive value of 95%. In summary, the available evidence is currently insufficient to determine the role of this variant in disease. Therefore, it has been classified as a Variant of Uncertain Significance.